The following is an entry in ClinVar:

NM_001145715.3(KPNA7):c.1163T>G (p.Val388Gly)

Gene: KPNA7 (karyopherin subunit alpha 7; minus strand). Cytogenetic location: 7q22.1.
Variant type: single nucleotide variant.
Coding change: c.1163T>G on transcript NM_001145715.3 (MANE Select); coding-DNA position 1163, T replaced by G.
Protein change: p.Val388Gly; replaces valine 388 with glycine.
Molecular consequence: missense variant.
Genome position (GRCh38, 1-based): chr7:99,182,037, A>C on the plus strand (T>G on the coding strand, the complement: KPNA7 is on the minus strand). VCF-style: chr7-99182037-A-C. GRCh37 (hg19) VCF-style: chr7-98779660-A-C.
Other names: short protein forms V388G.
Identifiers: ClinVar variation 1368755 (VCV001368755.8), dbSNP rs2150716935, ClinGen allele CA368418365.

ClinVar aggregate classification (germline): Uncertain significance (1 of 4 stars; one submission).

Submission:

Labcorp Genetics (formerly Invitae), Labcorp
Classification: Uncertain significance. Last evaluated: 2022-07-12. Review status: criteria provided, single submitter. Criteria: Invitae Variant Classification Sherloc (09022015). Collection method: clinical testing. Allele origin: germline.
Comment: In summary, the available evidence is currently insufficient to determine the role of this variant in disease. Therefore, it has been classified as a Variant of Uncertain Significance. Algorithms developed to predict the effect of missense changes on protein structure and function are either unavailable or do not agree on the potential impact of this missense change (SIFT: "Tolerated"; PolyPhen-2: "Possibly Damaging"; Align-GVGD: "Class C0"). ClinVar contains an entry for this variant (Variation ID: 1368755). This variant has not been reported in the literature in individuals affected with KPNA7-related conditions. This variant is not present in population databases (gnomAD no frequency). This sequence change replaces valine, which is neutral and non-polar, with glycine, which is neutral and non-polar, at codon 388 of the KPNA7 protein (p.Val388Gly).